The following is an entry in ClinVar:

ClinVar aggregate classification (germline): no classifications from unflagged records (0 of 4 stars; one submission).

Conditions:
Autosomal dominant nonsyndromic hearing loss 44. Identifiers: Orphanet 90635, MedGen C1843895, MONDO:0011832, OMIM 607453.

Submission:

OMIM
Classification: Pathogenic for DEAFNESS, AUTOSOMAL DOMINANT 44 (1 family). Last evaluated: 2007-06-01. Review status: flagged submission. Collection method: literature only. Allele origin: germline.
ClinVar note: Notes: Flagging candidate with reason of insufficient supporting evidence. This gene has been classified as having a limited gene-disease relationship by a ClinGen Expert Panel.
ClinVar note: Reason: Other

Literature cited by the submitters: PubMed 17503326.

NM_178335.3(CCDC50):c.1394_1401dup (p.Phe468fs)

Gene: CCDC50 (coiled-coil domain containing 50; plus strand). Cytogenetic location: 3q28.
Variant type: Duplication.
Coding change: c.1394_1401dup on transcript NM_178335.3 (MANE Select); coding-DNA positions 1394 to 1401, 8 bases duplicated (CACGGCAT; older notation c.1394_1401dupCACGGCAT).
Protein change: p.Phe468fs; shifts the reading frame from phenylalanine 468.
Molecular consequence: frameshift variant.
Genome position (GRCh38, 1-based): chr3:191,389,567-191,389,574, CACGGCAT duplicated. VCF-style (leftmost placement, unchanged base first): chr3-191389566-A-ACACGGCAT. GRCh37 (hg19) VCF-style: chr3-191107355-A-ACACGGCAT.
Other names: c.866_873dup, p.Phe292fs (NM_174908.4); short protein forms F292fs, F468fs.
Identifiers: ClinVar variation 1036 (VCV000001036.2), dbSNP rs2108677075, ClinGen allele CA916084410.